The following is an entry in ClinVar:

NM_001013838.3(CARMIL2):c.2858G>T (p.Gly953Val)

Gene: CARMIL2 (capping protein regulator and myosin 1 linker 2; plus strand). Cytogenetic location: 16q22.1.
Variant type: single nucleotide variant.
Coding change: c.2858G>T on transcript NM_001013838.3 (MANE Select); coding-DNA position 2858, G replaced by T.
Protein change: p.Gly953Val; replaces glycine 953 with valine.
Molecular consequence: missense variant.
Genome position (GRCh38, 1-based): chr16:67,652,512, G>T. VCF-style: chr16-67652512-G-T. GRCh37 (hg19) VCF-style: chr16-67686415-G-T.
Other names: c.2750G>T, p.Gly917Val (NM_001317026.3); short protein forms G917V, G953V.
Identifiers: ClinVar variation 1956918 (VCV001956918.2), dbSNP rs371940343, ClinGen allele CA283209953.

ClinVar aggregate classification (germline): Uncertain significance (1 of 4 stars; one submission).

Allele frequency attached by ClinVar (database versions not stated): ESP Exome Variant Server 0.00008.
gnomAD v4.1: 7 of 1,613,476 alleles (0.00043%); highest among the groups gnomAD compares: Non-Finnish European, 0.00034%; no homozygotes.

Submission:

Labcorp Genetics (formerly Invitae), Labcorp
Classification: Uncertain significance. Last evaluated: 2022-07-23. Review status: criteria provided, single submitter. Criteria: Invitae Variant Classification Sherloc (09022015). Collection method: clinical testing. Allele origin: germline.
Comment: This sequence change replaces glycine, which is neutral and non-polar, with valine, which is neutral and non-polar, at codon 953 of the CARMIL2 protein (p.Gly953Val). This variant is present in population databases (rs371940343, gnomAD 0.007%). This variant has not been reported in the literature in individuals affected with CARMIL2-related conditions. Algorithms developed to predict the effect of missense changes on protein structure and function (SIFT, PolyPhen-2, Align-GVGD) all suggest that this variant is likely to be tolerated. In summary, the available evidence is currently insufficient to determine the role of this variant in disease. Therefore, it has been classified as a Variant of Uncertain Significance.